The following is an entry in ClinVar:

ClinVar aggregate classification (germline): Uncertain significance (1 of 4 stars; one submission).

Submission:

GeneDx
Classification: Uncertain significance. Last evaluated: 2023-05-02. Review status: criteria provided, single submitter. Criteria: GeneDx Variant Classification Process June 2021. Collection method: clinical testing. Allele origin: germline. Affected: yes.
Comment: Not observed at significant frequency in large population cohorts (gnomAD); In silico analysis supports that this missense variant has a deleterious effect on protein structure/function; Has not been previously published as pathogenic or benign to our knowledge

NM_001283009.2(RTEL1):c.1664G>C (p.Gly555Ala)

Genes: RTEL1 (regulator of telomere elongation helicase 1; plus strand), RTEL1-TNFRSF6B (RTEL1-TNFRSF6B readthrough (NMD candidate); plus strand). Cytogenetic location: 20q13.33.
Variant type: single nucleotide variant.
Coding change: c.1664G>C on transcript NM_001283009.2 (MANE Select); coding-DNA position 1664, G replaced by C.
Protein change: p.Gly555Ala; replaces glycine 555 with alanine.
Molecular consequence: missense variant. On other transcripts: non-coding transcript variant (1).
Genome position (GRCh38, 1-based): chr20:63,688,328, G>C. VCF-style: chr20-63688328-G-C. GRCh37 (hg19) VCF-style: chr20-62319681-G-C.
Other names: c.995G>C, p.Gly332Ala (NM_001283010.1); c.1664G>C, p.Gly555Ala (NM_016434.4); c.1736G>C, p.Gly579Ala (NM_032957.5); short protein forms G332A, G555A, G579A.
Identifiers: ClinVar variation 2663434 (VCV002663434.1), dbSNP rs2090643153, ClinGen allele CA409677631.